The following is an entry in ClinVar:

NM_017739.4(POMGNT1):c.1284+2_1284+19del

Genes: POMGNT1 (protein O-linked mannose N-acetylglucosaminyltransferase 1 (beta 1,2-); minus strand), TSPAN1 (tetraspanin 1; plus strand). Cytogenetic location: 1p34.1.
Variant type: Deletion.
Coding change: c.1284+2_1284+19del on transcript NM_017739.4 (MANE Select); the canonical splice donor site of the intron after coding-DNA position 1284 through 19 bases into the intron after coding-DNA position 1284, 18 bases deleted (TAGGCTGGAATGACCAGG).
Molecular consequence: splice donor variant.
Genome position (GRCh38, 1-based): chr1:46,192,499-46,192,516, CCTGGTCATTCCAGCCTA deleted on the plus strand (TAGGCTGGAATGACCAGG on the coding strand, the reverse complement: POMGNT1 is on the minus strand); deleting any 18 consecutive bases within chr1:46,192,499-46,192,530 gives the same sequence; the c. name uses the placement nearest the transcript's 3' end. VCF-style (leftmost placement, unchanged base first): chr1-46192498-CCCTGGTCATTCCAGCCTA-C. GRCh37 (hg19) VCF-style: chr1-46658170-CCCTGGTCATTCCAGCCTA-C.
Other names: c.1284+2_1284+19del (NM_001438688.1, NM_001437653.1, NM_001410783.1 and 3 more transcripts); c.1218+2_1218+19del (NM_001438692.1, NM_001290129.3, NM_001438691.1); c.855+2_855+19del (NM_001290130.2); c.1284+2_1284+19delTAGGCTGGAATGACCAGG (NM_017739.3); c.1284+2_1284+19del18 (NM_017739.3).
Identifiers: ClinVar variation 370335 (VCV000370335.17), dbSNP rs1057516409, ClinGen allele CA16040747.

ClinVar aggregate classification (germline): Pathogenic/Likely pathogenic. Review status: criteria provided, multiple submitters, no conflicts (2 of 4 stars). 8 submissions from 8 submitters: Pathogenic (1); Likely pathogenic (6). 1 of the submissions does not count toward it. Last evaluated 2026-01-20.

Conditions:
Muscular dystrophy-dystroglycanopathy (congenital with brain and eye anomalies), type A3. Also called: Muscular dystrophy-dystroglycanopathy (congenital with brain and eye anomalies), type A, 3; Congenital muscular dystrophy-dystroglycanopathy with brain and eye anomalies, type A3; WALKER-WARBURG SYNDROME OR MUSCLE-EYE-BRAIN DISEASE, POMGNT1-RELATED. Identifiers: MedGen C3151519, MONDO:0009667, OMIM 253280.
Autosomal recessive limb-girdle muscular dystrophy type 2O. Also called: Limb-Girdle Muscular Dystrophy Type 3C; MUSCULAR DYSTROPHY-DYSTROGLYCANOPATHY, LIMB-GIRDLE, POMGNT1-RELATED; MUSCULAR DYSTROPHY-DYSTROGLYCANOPATHY (LIMB-GIRDLE), TYPE C, 3. Identifiers: Orphanet 206564, MedGen C3150417, MONDO:0013161, OMIM 613157.
Muscular dystrophy-dystroglycanopathy (congenital with impaired intellectual development), type B, 3. Also called: Muscular dystrophy-dystroglycanopathy (congenital with intellectual disability), type B3; MUSCULAR DYSTROPHY, CONGENITAL, POMGNT1-RELATED. Identifiers: MedGen C3150412, MONDO:0013155, OMIM 613151.
Muscular dystrophy-dystroglycanopathy. Also called: Congenital muscular dystrophy due to dystroglycanopathy. Identifiers: Orphanet 370953, MedGen C5679911, MONDO:0018276.
POMGNT1-related disorder. Also called: POMGNT1-related disorders; POMGNT1-related condition. Identifiers: MedGen CN239299.
Muscle eye brain disease (MEB). Also called: Santavuori congenital muscular dystrophy. Identifiers: Orphanet 588, Orphanet 899, MedGen C0457133, MONDO:0018939.
Retinitis pigmentosa 76 (RP76). Identifiers: MedGen C4310704, MONDO:0014929, OMIM 617123.

Submissions (8):

Natera, Inc.
Classification: Likely pathogenic for Muscle-eye-brain disease. Last evaluated: 2026-01-20. Review status: criteria provided, single submitter. Criteria: Natera Variant Classification Schema (03/2026). Collection method: clinical testing. Allele origin: germline.
Comment: The c.1284+2_1284+19delTAGGCTGGAATGACCAGG variant in POMGNT1 is a canonical splice donor site variant predicted to affect pre-mRNA splicing, which may result in an abnormal transcript and altered protein product. This variant is expected to result in nonsense mediated decay, truncation, or a dysfunctional protein product. This variant is rare in the general population with a frequency below the threshold expected for the associated phenotype(s). Given the available evidence, this variant is classified as Likely Pathogenic.

3billion
Classification: Pathogenic for POMGNT1-related disorder. Last evaluated: 2025-06-26. Review status: criteria provided, single submitter. Criteria: ACMG Guidelines, 2015. Collection method: clinical testing. Allele origin: germline. Affected: yes.
Comment: The variant is observed at an extremely low frequency in the gnomAD v4.1.0 dataset (total allele frequency: 0.035%). Predicted Consequence/Location: Canonical splice site: predicted to alter splicing and result in a loss or disruption of normal protein function. Multiple pathogenic loss-of-function variants are reported downstream of the variant. The variant has been reported at least twice as pathogenic with clinical assertions and evidence for the classification (ClinVar ID: VCV000056582 /PMID: 11709191). Therefore, this variant is classified as Pathogenic according to the recommendation of ACMG/AMP guideline.

Labcorp Genetics (formerly Invitae), Labcorp
Classification: Likely pathogenic for Autosomal recessive limb-girdle muscular dystrophy type 2O; Muscular dystrophy-dystroglycanopathy (congenital with impaired intellectual development), type B, 3. Last evaluated: 2024-02-25. Review status: criteria provided, single submitter. Criteria: Invitae Variant Classification Sherloc (09022015). Collection method: clinical testing. Allele origin: germline.
Comment: This sequence change affects a splice site in intron 15 of the POMGNT1 gene. It is expected to disrupt RNA splicing. Variants that disrupt the donor or acceptor splice site typically lead to a loss of protein function (PMID: 16199547), and loss-of-function variants in POMGNT1 are known to be pathogenic (PMID: 19299310, 20816175, 21447391, 26908613, 27391550). This variant is present in population databases (no rsID available, gnomAD 0.0009%). This variant has not been reported in the literature in individuals affected with POMGNT1-related conditions. ClinVar contains an entry for this variant (Variation ID: 370335). In summary, the currently available evidence indicates that the variant is pathogenic, but additional data are needed to prove that conclusively. Therefore, this variant has been classified as Likely Pathogenic.

Blueprint Genetics
Classification: Likely pathogenic for POMGNT1-related disorders. Last evaluated: 2023-11-30. Review status: criteria provided, single submitter. Criteria: ACMG Guidelines, 2015. Collection method: clinical testing. Allele origin: germline. Affected: yes. Observed: 3 variant alleles.

Baylor Genetics
Classification: Likely pathogenic for Muscular dystrophy-dystroglycanopathy (congenital with brain and eye anomalies), type A3. Last evaluated: 2023-11-27. Review status: criteria provided, single submitter. Criteria: ACMG Guidelines, 2015. Collection method: clinical testing. Allele origin: unknown.

Broad Center for Mendelian Genomics, Broad Institute of MIT and Harvard
Classification: Likely pathogenic for Muscular dystrophy-dystroglycanopathy. Last evaluated: 2023-01-24. Review status: criteria provided, single submitter. Criteria: ACMG Guidelines, 2015. Collection method: curation. Allele origin: germline. Inheritance: Autosomal recessive inheritance.
Comment: The c.1284+2_1284+19del variant in POMGNT1 has not been reported in the literature in individuals with muscular dystrophy-dystroglycanopathy, but has been identified in 0.002% (2/113694) of European (non-Finnish) chromosomes by the Genome Aggregation Database (gnomAD; dbSNP ID: dbSNP ID rs1057516409). Although this variant has been seen in the general population in a heterozygous state, its frequency is low enough to be consistent with a recessive carrier frequency. This variant has also been reported in ClinVar (Variation ID #370335) and has been interpreted as likely pathogenic by Counsyl and Invitae. This variant is located in the 5' splice region. Computational tools do suggest an impact to splicing. However, this information is not predictive enough to determine pathogenicity. Loss of function of the POMGNT1 gene is an established disease mechanism in autosomal recessive POMGNT1-associated muscular dystrophy-dystroglycanopathy. In summary, although additional studies are required to fully establish its clinical significance, this variant is likely pathogenic for POMGNT1-associated muscular dystrophy-dystroglycanopathy. ACMG/AMP Criteria applied: PVS1, PM2 (Richards 2015).

Juno Genomics, Hangzhou Juno Genomics, Inc
Classification: Likely pathogenic for Muscular dystrophy-dystroglycanopathy (congenital with impaired intellectual development), type B, 3; Muscular dystrophy-dystroglycanopathy (congenital with brain and eye anomalies), type A3; Autosomal recessive limb-girdle muscular dystrophy type 2O; Retinitis pigmentosa 76. Review status: criteria provided, single submitter. Criteria: ACMG Guidelines, 2015. Collection method: clinical testing. Allele origin: germline. Affected: yes.
Comment: Null variant in a gene where loss of function (LOF) is a known mechanism of disease.;Absent from controls (or at extremely low frequency if recessive) in Genome Aggregation Database, Exome Sequencing Project, 1000 Genomes Project, or Exome Aggregation Consortium.

Counsyl
Classification: Likely pathogenic for Muscular dystrophy-dystroglycanopathy (congenital with brain and eye anomalies), type A3. Last evaluated: 2016-01-14. Review status: no assertion criteria provided. Collection method: clinical testing. Allele origin: unknown. Not counted in ClinVar's aggregate classification.

Literature cited by the submitters: PubMed 16199547 (cited by Labcorp Genetics (formerly Invitae), Labcorp); PubMed 19299310 (cited by Labcorp Genetics (formerly Invitae), Labcorp); PubMed 20816175 (cited by Labcorp Genetics (formerly Invitae), Labcorp); PubMed 21447391 (cited by Labcorp Genetics (formerly Invitae), Labcorp); PubMed 26908613 (cited by Labcorp Genetics (formerly Invitae), Labcorp); PubMed 27391550 (cited by Labcorp Genetics (formerly Invitae), Labcorp).